The following is an entry in ClinVar:

NM_001290060.2(SEMA3B):c.1627C>T (p.Arg543Cys)

Gene: SEMA3B (semaphorin 3B; plus strand). Cytogenetic location: 3p21.31.
Variant type: single nucleotide variant.
Coding change: c.1627C>T on transcript NM_001290060.2 (MANE Select); coding-DNA position 1627, C replaced by T.
Protein change: p.Arg543Cys; replaces arginine 543 with cysteine.
Molecular consequence: missense variant.
Genome position (GRCh38, 1-based): chr3:50,275,437, C>T. VCF-style: chr3-50275437-C-T. GRCh37 (hg19) VCF-style: chr3-50312868-C-T.
Other names: c.1624C>T, p.Arg542Cys (NM_001005914.3, NM_001435957.1, NM_001435958.1); c.1642C>T, p.Arg548Cys (NM_001290061.1); c.598C>T, p.Arg200Cys (NM_001290062.2, NM_001290063.2); c.1627C>T, p.Arg543Cys (NM_001435956.1, NM_004636.4); short protein forms R543C, R200C, R542C, R548C.
Identifiers: ClinVar variation 4987649 (VCV004987649.1).

ClinVar aggregate classification (germline): Uncertain significance (1 of 4 stars; one submission).

Conditions:
SEMA3B-related disorder. Also called: SEMA3B-related condition.

Submission:

PreventionGenetics, part of Exact Sciences
Classification: Uncertain significance for SEMA3B-related condition. Last evaluated: 2026-02-23. Review status: criteria provided, single submitter. Criteria: ACMG Guidelines, 2015. Collection method: clinical testing. Allele origin: germline.
Comment: The SEMA3B c.1642C>T variant is predicted to result in the amino acid substitution p.Arg548Cys. To our knowledge, this variant has not been reported in the literature or in a large population database (gnomAD), indicating this variant is rare. At this time, the clinical significance of this variant is uncertain due to the absence of conclusive functional and genetic evidence.